The following is an entry in ClinVar:

NM_005732.4(RAD50):c.393dup (p.Lys132Ter)

Gene: RAD50 (RAD50 double strand break repair protein; plus strand). Cytogenetic location: 5q31.1.
Variant type: Duplication.
Coding change: c.393dup on transcript NM_005732.4 (MANE Select); coding-DNA position 393, one base duplicated (T; older notation c.393dupT).
Protein change: p.Lys132Ter; replaces lysine 132 with a stop codon.
Molecular consequence: nonsense.
Genome position (GRCh38, 1-based): chr5:132,579,344, T duplicated. VCF-style (leftmost placement, unchanged base first): chr5-132579343-C-CT. GRCh37 (hg19) VCF-style: chr5-131915035-C-CT.
Other names: c.393dupT (NM_005732.3); short protein forms K132*.
Identifiers: ClinVar variation 408379 (VCV000408379.13), dbSNP rs1458900761, ClinGen allele CA16611813.

ClinVar aggregate classification (germline): Pathogenic/Likely pathogenic. Review status: criteria provided, multiple submitters, no conflicts (2 of 4 stars). 3 submissions from 3 submitters: Pathogenic (2); Likely pathogenic (1). Last evaluated 2023-12-17.

Conditions:
Hereditary cancer-predisposing syndrome. Also called: Hereditary Cancer Syndrome; Hereditary neoplastic syndrome; Neoplastic Syndromes, Hereditary; Tumor predisposition. Identifiers: Orphanet 140162, MedGen C0027672, MeSH D009386, MONDO:0015356.
Nijmegen breakage syndrome-like disorder (NBSLD). Also called: MICROCEPHALY AND SPONTANEOUS CHROMOSOME INSTABILITY WITHOUT IMMUNODEFICIENCY; NBS-LIKE DISORDER; RAD50 DEFICIENCY. Identifiers: Orphanet 240760, MedGen C2751318, MONDO:0013118, OMIM 613078.

Submissions (3):

Baylor Genetics
Classification: Likely pathogenic for Nijmegen breakage syndrome-like disorder. Last evaluated: 2023-12-17. Review status: criteria provided, single submitter. Criteria: ACMG Guidelines, 2015. Collection method: clinical testing. Allele origin: unknown.

Labcorp Genetics (formerly Invitae), Labcorp
Classification: Pathogenic for Hereditary cancer-predisposing syndrome. Last evaluated: 2022-04-20. Review status: criteria provided, single submitter. Criteria: Invitae Variant Classification Sherloc (09022015). Collection method: clinical testing. Allele origin: germline.
Comment: ClinVar contains an entry for this variant (Variation ID: 408379). For these reasons, this variant has been classified as Pathogenic. This variant has not been reported in the literature in individuals affected with RAD50-related conditions. This variant is not present in population databases (gnomAD no frequency). This sequence change creates a premature translational stop signal (p.Lys132*) in the RAD50 gene. It is expected to result in an absent or disrupted protein product. Loss-of-function variants in RAD50 are known to be pathogenic (PMID: 19409520).

Ambry Genetics
Classification: Pathogenic for Hereditary cancer-predisposing syndrome. Last evaluated: 2019-05-31. Review status: criteria provided, single submitter. Criteria: Ambry Variant Classification Scheme 2023. Collection method: clinical testing. Allele origin: germline.
Comment: The c.393dupT pathogenic mutation, located in coding exon 4 of the RAD50 gene, results from a duplication of T at nucleotide position 393, causing a translational frameshift with a predicted alternate stop codon (p.K132*). This alteration is expected to result in loss of function by premature protein truncation or nonsense-mediated mRNA decay. As such, this alteration is interpreted as a disease-causing mutation.

Literature cited by the submitters: PubMed 19409520 (cited by Labcorp Genetics (formerly Invitae), Labcorp).